The following is an entry in ClinVar:

NM_001388308.1(KIF12):c.1550C>T (p.Pro517Leu)

Gene: KIF12 (kinesin family member 12; minus strand). Cytogenetic location: 9q32.
Variant type: single nucleotide variant.
Coding change: c.1550C>T on transcript NM_001388308.1 (MANE Select); coding-DNA position 1550, C replaced by T.
Protein change: p.Pro517Leu; replaces proline 517 with leucine.
Molecular consequence: missense variant.
Genome position (GRCh38, 1-based): chr9:114,093,275, G>A on the plus strand (C>T on the coding strand, the complement: KIF12 is on the minus strand). VCF-style: chr9-114093275-G-A. GRCh37 (hg19) VCF-style: chr9-116855555-G-A.
Other names: c.1136C>T, p.Pro379Leu (NM_138424.2); short protein forms P379L, P517L.
Identifiers: ClinVar variation 2899064 (VCV002899064.3), dbSNP rs761072141, ClinGen allele CA5200467.

ClinVar aggregate classification (germline): Uncertain significance (1 of 4 stars; one submission).

Allele frequency attached by ClinVar (database versions not stated): TOPMed below 0.00001; gnomAD 0.00001; gnomAD exomes 0.00002; ExAC 0.00014.
gnomAD v4.1: 12 of 1,559,434 alleles (0.00077%); highest among the groups gnomAD compares: East Asian, 0.014%; no homozygotes.

Submission:

Labcorp Genetics (formerly Invitae), Labcorp
Classification: Uncertain significance. Last evaluated: 2024-03-17. Review status: criteria provided, single submitter. Criteria: Invitae Variant Classification Sherloc (09022015). Collection method: clinical testing. Allele origin: germline.
Comment: This sequence change replaces proline, which is neutral and non-polar, with leucine, which is neutral and non-polar, at codon 379 of the KIF12 protein (p.Pro379Leu). The frequency data for this variant in the population databases is considered unreliable, as metrics indicate poor data quality at this position in the gnomAD database. This variant has not been reported in the literature in individuals affected with KIF12-related conditions. An algorithm developed to predict the effect of missense changes on protein structure and function (PolyPhen-2) suggests that this variant is likely to be disruptive. In summary, the available evidence is currently insufficient to determine the role of this variant in disease. Therefore, it has been classified as a Variant of Uncertain Significance.